The following is an entry in ClinVar:

ClinVar aggregate classification (germline): Likely pathogenic. Review status: reviewed by expert panel (3 of 4 stars). 9 submissions from 9 submitters: Likely pathogenic (1). 8 of the submissions do not count toward it. Last evaluated 2021-05-29.

Conditions:
PAH-related disorder. Also called: PAH-related condition.
Phenylketonuria (PKU). Also called: Phenylketonuria (PKU); FOLLING DISEASE; OLIGOPHRENIA PHENYLPYRUVICA; Phenylketonurias. Identifiers: Orphanet 716, MedGen C0031485, MONDO:0009861, OMIM 261600. Disease mechanism: loss of function.

Allele frequency attached by ClinVar (database versions not stated): TOPMed 0.00006; gnomAD 0.00003.
gnomAD v4.1: 79 of 1,608,754 alleles (0.0049%); highest among the groups gnomAD compares: South Asian, 0.013%; no homozygotes.

Submissions (9):

ClinGen PAH Variant Curation Expert Panel
Classification: Likely pathogenic for Phenylketonuria. Last evaluated: 2021-05-29. Review status: reviewed by expert panel. Criteria: ClinGen PAH ACMG Specifications v1. Collection method: curation. Allele origin: germline. Inheritance: Autosomal recessive inheritance.
Comment: This c.157C>T (p.Arg53Cys) variant in PAH was reported in trans with pathogenic variant p.Arg158Gln in 1 patient with PAH deficiency (324 uMol/L Phe) (PMID: 28982351). This variant was found at an amino acid residue where p.Arg53His, a missense variant of uncertain significance, has been seen before. Computational evidence for this missense variant supports a deleterious effect (REVEL=0.766). This variant is found at an extremely low frequency in gnomAD and ExAC (MAF=0.00012), and absent from 1000 Genomes, and ESP. In summary, this variant meets criteria to be classified as likely pathogenic for PAH. PAH-specific ACMG/AMP criteria applied: PM2, PM3, PP3, PP4.

Myriad Genetics, Inc.
Classification: Uncertain significance for Phenylketonuria. Last evaluated: 2026-06-03. Review status: criteria provided, single submitter. Criteria: Myriad Autosomal Dominant, Autosomal Recessive and X-Linked Classification Criteria (2023). Collection method: clinical testing. Allele origin: unknown. Not counted in ClinVar's aggregate classification.
Comment: NM_000277.1(PAH):c.157C>T(R53C) is a missense variant classified as a variant of uncertain significance in the context of phenylalanine hydroxylase deficiency. R53C has been observed in cases with relevant disease (PMID: 28982351, 36847978). Relevant functional assessments of this variant are not available in the literature. R53C has been observed in referenced population frequency databases. In summary, there is insufficient evidence to classify NM_000277.1(PAH):c.157C>T(R53C) as pathogenic or benign. Please note: this variant was assessed in the context of healthy population screening.

Labcorp Genetics (formerly Invitae), Labcorp
Classification: Pathogenic for Phenylketonuria. Last evaluated: 2025-11-06. Review status: criteria provided, single submitter. Criteria: Invitae Variant Classification Sherloc (09022015). Collection method: clinical testing. Allele origin: germline. Not counted in ClinVar's aggregate classification.
Comment: This sequence change replaces arginine, which is basic and polar, with cysteine, which is neutral and slightly polar, at codon 53 of the PAH protein (p.Arg53Cys). This variant is present in population databases (rs199475619, gnomAD 0.01%). This missense change has been observed in individual(s) with phenylketonuria (PMID: 28982351; internal data). In at least one individual the data is consistent with being in trans (on the opposite chromosome) from a pathogenic variant. ClinVar contains an entry for this variant (Variation ID: 102600). Invitae Evidence Modeling of protein sequence and biophysical properties (such as structural, functional, and spatial information, amino acid conservation, physicochemical variation, residue mobility, and thermodynamic stability) indicates that this missense variant is not expected to disrupt PAH protein function with a negative predictive value of 80%. For these reasons, this variant has been classified as Pathogenic.

Women's Health and Genetics/Laboratory Corporation of America, LabCorp
Classification: Likely pathogenic for Phenylketonuria. Last evaluated: 2025-08-15. Review status: criteria provided, single submitter. Criteria: LabCorp Variant Classification Summary - May 2015. Collection method: clinical testing. Allele origin: germline. Not counted in ClinVar's aggregate classification.
Comment: Variant summary: PAH c.157C>T (p.Arg53Cys) results in a non-conservative amino acid change located in the ACT domain (IPR002912) of the encoded protein sequence. Algorithms developed to predict the effect of missense changes on protein structure and function all suggest that this variant is likely to be disruptive. The variant allele was found at a frequency of 3.2e-05 in 251390 control chromosomes. c.157C>T has been observed in compound heterozygous individual(s) affected with Phenylalanine Hydroxylase Deficiency (Phenylketonuria)/Hyperphenylalaninemia (e.g. Liu_2017, internal data). These data indicate that the variant may be associated with disease. To our knowledge, no experimental evidence demonstrating an impact on protein function has been reported. The following publications have been ascertained in the context of this evaluation (PMID: 28982351). ClinVar contains an entry for this variant (Variation ID: 102600). Based on the evidence outlined above, the variant was classified as likely pathogenic.

GeneDx
Classification: Likely pathogenic. Last evaluated: 2023-10-11. Review status: criteria provided, single submitter. Criteria: GeneDx Variant Classification Process June 2021. Collection method: clinical testing. Allele origin: germline. Affected: yes. Not counted in ClinVar's aggregate classification.
Comment: Not observed at significant frequency in large population cohorts (gnomAD); In silico analysis supports that this missense variant has a deleterious effect on protein structure/function; Reported in a child with mild hyperphenylalaninemia (Liu et al., 2017); This variant is associated with the following publications: (PMID: 29316886, 28982351, 17924342)

Revvity Omics, Revvity
Classification: Likely pathogenic for Phenylketonuria. Last evaluated: 2023-06-28. Review status: criteria provided, single submitter. Criteria: ACMG Guidelines, 2015. Collection method: clinical testing. Allele origin: germline. Not counted in ClinVar's aggregate classification.

PreventionGenetics, part of Exact Sciences
Classification: Likely pathogenic for PAH-related condition. Last evaluated: 2024-09-04. Review status: no assertion criteria provided. Collection method: clinical testing. Allele origin: germline. Not counted in ClinVar's aggregate classification.
Comment: The PAH c.157C>T variant is predicted to result in the amino acid substitution p.Arg53Cys. This variant has been reported in the compound heterozygous state in an individual(s) with PAH deficiency (PubMed ID: Liu N et al. 2017. PubMed ID: 28982351). This variant is reported in 0.0098% of alleles in individuals of South Asian descent in gnomAD. This variant is interpreted as likely pathogenic by the ClinGen PAH Variant Curation Expert Panel in ClinVar. Taken together, we classify this variant as likely pathogenic.

Counsyl
Classification: Uncertain significance for Phenylketonuria. Last evaluated: 2017-12-28. Review status: no assertion criteria provided. Collection method: clinical testing. Allele origin: unknown. Not counted in ClinVar's aggregate classification.

DeBelle Laboratory for Biochemical Genetics, MUHC/MCH RESEARCH INSTITUTE
No classification provided. Review status: no classification provided. Collection method: not provided. Allele origin: not provided. Not counted in ClinVar's aggregate classification.

Literature cited by the submitters: PubMed 28982351 (cited by 3 submitters); PubMed 36847978 (cited by Myriad Genetics, Inc.); PubMed 17924342 (cited by Counsyl).

NM_000277.3(PAH):c.157C>T (p.Arg53Cys)

Gene: PAH (phenylalanine hydroxylase; minus strand). Cytogenetic location: 12q23.2.
Variant type: single nucleotide variant.
Coding change: c.157C>T on transcript NM_000277.3 (MANE Select); coding-DNA position 157, C replaced by T.
Protein change: p.Arg53Cys; replaces arginine 53 with cysteine.
Molecular consequence: missense variant.
Genome position (GRCh38, 1-based): chr12:102,912,802, G>A on the plus strand (C>T on the coding strand, the complement: PAH is on the minus strand). VCF-style: chr12-102912802-G-A. GRCh37 (hg19) VCF-style: chr12-103306580-G-A.
Other names: c.157C>T, p.Arg53Cys (NM_001354304.2); short protein forms R53C.
Identifiers: ClinVar variation 102600 (VCV000102600.17), dbSNP rs199475619, ClinGen allele CA229445.
Genomic context (GRCh38, chr12:102,912,802, plus strand): 5'-GGAAGTTTGCTACGACATTATCCAAGACAAACATGATTGTAGCACTGACCTCAAATAAGC[G>A]CAATACTTTGGCCAATGCACCAACTTCTTCTTTGAGTGAGAAGATCAGTGATATGGCACC-3'
Protein context (NP_000268.1, residues 43-63): EEVGALAKVL[Arg53Cys]LFEENDVNLT